The following is an entry in ClinVar:

ClinVar aggregate classification (germline): Uncertain significance. Review status: criteria provided, multiple submitters, no conflicts (2 of 4 stars). 4 submissions from 4 submitters: Uncertain significance (4). Last evaluated 2026-01-26.

Conditions:
Neurodegeneration with brain iron accumulation 8. Identifiers: MedGen C4693587, MONDO:0054764, OMIM 617917.

Allele frequency attached by ClinVar (database versions not stated): ESP Exome Variant Server 0.00008; gnomAD 0.00009 and 0.00014; TOPMed 0.00011; 1000 Genomes Project 30x 0.00016; 1000 Genomes Project 0.00020; gnomAD exomes 0.00023 and 0.00039; ExAC 0.00046.
gnomAD v4.1: 353 of 1,614,010 alleles (0.022%); highest among the groups gnomAD compares: South Asian, 0.21%; 3 homozygotes.

Submissions (4):

Labcorp Genetics (formerly Invitae), Labcorp
Classification: Uncertain significance. Last evaluated: 2026-01-26. Review status: criteria provided, single submitter. Criteria: Invitae Variant Classification Sherloc (09022015). Collection method: clinical testing. Allele origin: germline.
Comment: This sequence change replaces alanine, which is neutral and non-polar, with threonine, which is neutral and polar, at codon 262 of the CRAT protein (p.Ala262Thr). This variant is present in population databases (rs147944652, gnomAD 0.2%), and has an allele count higher than expected for a pathogenic variant. This variant has not been reported in the literature in individuals affected with CRAT-related conditions. ClinVar contains an entry for this variant (Variation ID: 1494128). Invitae Evidence Modeling of protein sequence and biophysical properties (such as structural, functional, and spatial information, amino acid conservation, physicochemical variation, residue mobility, and thermodynamic stability) indicates that this missense variant is not expected to disrupt CRAT protein function with a negative predictive value of 80%. In summary, the available evidence is currently insufficient to determine the role of this variant in disease. Therefore, it has been classified as a Variant of Uncertain Significance.

Ambry Genetics
Classification: Uncertain significance. Last evaluated: 2025-02-12. Review status: criteria provided, single submitter. Criteria: Ambry Variant Classification Scheme 2023. Collection method: clinical testing. Allele origin: germline.

Breakthrough Genomics
Classification: Uncertain significance. Review status: criteria provided, single submitter. Criteria: ACMG Guidelines, 2015. Collection method: not provided. Allele origin: germline. Inheritance: Autosomal recessive inheritance. Affected: yes.

Neuberg Centre For Genomic Medicine, NCGM
Classification: Uncertain significance for Neurodegeneration with brain iron accumulation 8. Review status: criteria provided, single submitter. Criteria: ACMG Guidelines, 2015. Collection method: clinical testing. Allele origin: germline. Inheritance: Autosomal recessive inheritance. Affected: yes.
Comment: The missense c.784G>A p.Ala262Thr variant in CRAT gene has not been reported previously as a pathogenic variant nor as a benign variant, to our knowledge. The p.Ala262Thr variant is present with allele frequency of 0.04% in gnomAD Exomes. This variant has been submitted to the ClinVar database as Uncertain Significance. Multiple lines of computational evidence Polyphen - Possibly Damaging, SIFT - Damaging and MutationTaster - Disease causing predict a damaging effect on protein structure and function for this variant. The reference amino acid at this position on CRAT is predicted as conserved by GERP++ and PhyloP across 100 vertebrates. The amino acid Ala at position 262 is changed to a Thr changing protein sequence and it might alter its composition and physico-chemical properties. For these reasons, this variant has been classified as a Variant of Uncertain Significance VUS.

NM_000755.5(CRAT):c.784G>A (p.Ala262Thr)

Gene: CRAT (carnitine O-acetyltransferase; minus strand). Cytogenetic location: 9q34.11.
Variant type: single nucleotide variant.
Coding change: c.784G>A on transcript NM_000755.5 (MANE Select); coding-DNA position 784, G replaced by A.
Protein change: p.Ala262Thr; replaces alanine 262 with threonine.
Molecular consequence: missense variant.
Genome position (GRCh38, 1-based): chr9:129,101,904, C>T on the plus strand (G>A on the coding strand, the complement: CRAT is on the minus strand). VCF-style: chr9-129101904-C-T. GRCh37 (hg19) VCF-style: chr9-131864183-C-T.
Other names: c.721G>A, p.Ala241Thr (NM_001257363.3, NM_001346548.2, NM_004003.4); c.787G>A, p.Ala263Thr (NM_001346546.2); c.784G>A, p.Ala262Thr (NM_001346547.2); c.664G>A, p.Ala222Thr (NM_001346549.2); c.784G>A (NM_000755.3); short protein forms A241T, A222T, A262T, A263T.
Identifiers: ClinVar variation 1494128 (VCV001494128.11), dbSNP rs147944652, ClinGen allele CA5275639.